The following is an entry in ClinVar:

NM_004463.3(FGD1):c.676G>A (p.Ala226Thr)

Gene: FGD1 (FYVE, RhoGEF and PH domain containing 1; minus strand). Cytogenetic location: Xp11.22.
Variant type: single nucleotide variant.
Coding change: c.676G>A on transcript NM_004463.3 (MANE Select); coding-DNA position 676, G replaced by A.
Protein change: p.Ala226Thr; replaces alanine 226 with threonine.
Molecular consequence: missense variant.
Genome position (GRCh38, 1-based): chrX:54,470,441, C>T on the plus strand (G>A on the coding strand, the complement: FGD1 is on the minus strand). VCF-style: chrX-54470441-C-T. GRCh37 (hg19) VCF-style: chrX-54496874-C-T.
Other names: short protein forms A226T.
Identifiers: ClinVar variation 95094 (VCV000095094.27), dbSNP rs138723423, ClinGen allele CA148168.

ClinVar aggregate classification (germline): Benign/Likely benign. Review status: criteria provided, multiple submitters, no conflicts (2 of 4 stars). 12 submissions from 12 submitters: Benign (5); Likely benign (3). 4 of the submissions do not count toward it. Last evaluated 2026-02-03.

Conditions:
FGD1-related disorder. Also called: FGD1-related disorders; FGD1-related condition.
Inborn genetic diseases. Identifiers: MedGen C0950123, MeSH D030342.
Intellectual disability. Also called: Intellectual functioning disability; Intellectual developmental disorder; intellectual disabilities. Identifiers: MedGen C3714756, MeSH D008607, MONDO:0001071, HP:0001249.

Allele frequency attached by ClinVar (database versions not stated): 1000 Genomes Project 0.00212; gnomAD 0.00254 and 0.00259; ExAC 0.00256; 1000 Genomes Project 30x 0.00166; TOPMed 0.00252; gnomAD exomes 0.00268; ESP Exome Variant Server 0.00237.
gnomAD v4.1: 3,862 of 1,203,728 alleles (0.32%); highest among the groups gnomAD compares: Non-Finnish European, 0.37%; 8 homozygotes.

Submissions (12):

Labcorp Genetics (formerly Invitae), Labcorp
Classification: Benign. Last evaluated: 2026-02-03. Review status: criteria provided, single submitter. Criteria: Invitae Variant Classification Sherloc (09022015). Collection method: clinical testing. Allele origin: germline.

Athena Diagnostics
Classification: Benign. Last evaluated: 2025-03-27. Review status: criteria provided, single submitter. Criteria: Athena Diagnostics Criteria. Collection method: clinical testing. Allele origin: unknown.
Comment: The frequency of this variant in the general population is higher than would generally be expected for pathogenic variants in this gene.

Blueprint Genetics
Classification: Likely benign. Last evaluated: 2024-10-15. Review status: criteria provided, single submitter. Criteria: ACMG Guidelines, 2015. Collection method: clinical testing. Allele origin: germline.

Cambridge Genomics Laboratory, East Genomic Laboratory Hub, NHS Genomic Medicine Service
Classification: Benign for Intellectual disability. Last evaluated: 2019-12-30. Review status: criteria provided, single submitter. Criteria: ACGS Best Practice Guidelines for Variant Classification in Rare Disease 2020. Collection method: clinical testing. Allele origin: germline. Affected: yes. Observed: 1 variant allele.

Ambry Genetics
Classification: Benign for Inborn genetic diseases. Last evaluated: 2017-06-27. Review status: criteria provided, single submitter. Criteria: Ambry Variant Classification Scheme 2023. Collection method: clinical testing. Allele origin: germline.

Center for Pediatric Genomic Medicine, Children's Mercy Hospital and Clinics
Classification: Likely benign. Last evaluated: 2017-06-01. Review status: criteria provided, single submitter. Criteria: ACMG Guidelines, 2015. Collection method: clinical testing. Allele origin: germline.

Eurofins Ntd Llc (ga)
Classification: Benign. Last evaluated: 2014-02-11. Review status: criteria provided, single submitter. Criteria: EGL Classification Definitions 2015. Collection method: clinical testing. Allele origin: germline. Observed: 1 variant allele, 1 hemizygote.

Breakthrough Genomics
Classification: Likely benign. Review status: criteria provided, single submitter. Criteria: ACMG Guidelines, 2015. Collection method: not provided. Allele origin: germline. Inheritance: X-linked inheritance. Affected: yes.

PreventionGenetics, part of Exact Sciences
Classification: Likely benign for FGD1-related condition. Last evaluated: 2020-02-28. Review status: no assertion criteria provided. Collection method: clinical testing. Allele origin: germline. Not counted in ClinVar's aggregate classification.
Comment: This variant is classified as likely benign based on ACMG/AMP sequence variant interpretation guidelines (Richards et al. 2015 PMID: 25741868, with internal and published modifications).

Clinical Genetics DNA and cytogenetics Diagnostics Lab, Erasmus MC, Erasmus Medical Center
Classification: Likely benign. Review status: no assertion criteria provided. Collection method: clinical testing. Allele origin: germline. Affected: yes. Study: VKGL Data-share Consensus. Not counted in ClinVar's aggregate classification.

Genome Diagnostics Laboratory, University Medical Center Utrecht
Classification: Likely benign. Review status: no assertion criteria provided. Collection method: clinical testing. Allele origin: germline. Affected: yes. Study: VKGL Data-share Consensus. Not counted in ClinVar's aggregate classification.

Laboratory of Diagnostic Genome Analysis, Leiden University Medical Center (LUMC)
Classification: Likely benign. Review status: no assertion criteria provided. Collection method: clinical testing. Allele origin: germline. Affected: yes. Study: VKGL Data-share Consensus. Not counted in ClinVar's aggregate classification.